The following is an entry in ClinVar:

ClinVar aggregate classification (germline): Pathogenic (1 of 4 stars; one submission).

Conditions:
Arrhythmogenic right ventricular dysplasia 9 (ARVD9). Also called: Arrhythmogenic Right Ventricular Dysplasia/Cardiomyopathy 9; ARRHYTHMOGENIC RIGHT VENTRICULAR DYSPLASIA, FAMILIAL, 9. Identifiers: MedGen C1836906, MONDO:0012180, OMIM 609040.

Submission:

Labcorp Genetics (formerly Invitae), Labcorp
Classification: Pathogenic for Arrhythmogenic right ventricular dysplasia 9. Last evaluated: 2022-06-13. Review status: criteria provided, single submitter. Criteria: Invitae Variant Classification Sherloc (09022015). Collection method: clinical testing. Allele origin: unknown.
Comment: For these reasons, this variant has been classified as Pathogenic. ClinVar contains an entry for this variant (Variation ID: 572940). This variant has been observed in individual(s) with clinical features of arrhythmogenic cardiomyopathy (Invitae). This variant results in the deletion of part of exon 2 (c.224-1639_274del) of the PKP2 gene. It is expected to disrupt RNA splicing. Variants that disrupt the donor or acceptor splice site typically lead to a loss of protein function (PMID: 16199547), and loss-of-function variants in PKP2 are known to be pathogenic (PMID: 15489853, 23911551).

Literature cited by the submitters: PubMed 16199547; PubMed 15489853; PubMed 23911551.

NC_000012.11:g.(?_33031916)_(33033605_?)del

Gene: PKP2 (plakophilin 2; minus strand). Cytogenetic location: 12p11.21.
Variant type: Deletion.
Identifiers: ClinVar variation 3244296 (VCV003244296.1).